The following is an entry in ClinVar:

NM_001458.5(FLNC):c.1304C>T (p.Thr435Met)

Gene: FLNC (filamin C; plus strand). Cytogenetic location: 7q32.1.
Variant type: single nucleotide variant.
Coding change: c.1304C>T on transcript NM_001458.5 (MANE Select); coding-DNA position 1304, C replaced by T.
Protein change: p.Thr435Met; replaces threonine 435 with methionine.
Molecular consequence: missense variant.
Genome position (GRCh38, 1-based): chr7:128,838,696, C>T. VCF-style: chr7-128838696-C-T. GRCh37 (hg19) VCF-style: chr7-128478750-C-T.
Other names: c.1304C>T, p.Thr435Met (NM_001127487.2); short protein forms T435M.
Identifiers: ClinVar variation 471967 (VCV000471967.17), dbSNP rs199935488, ClinGen allele CA4474297.

ClinVar aggregate classification (germline): Conflicting classifications of pathogenicity. Review status: criteria provided, conflicting classifications (1 of 4 stars). 3 submissions from 3 submitters: Uncertain significance (2); Likely benign (1). Last evaluated 2025-06-13.

Conditions:
FLNC-related disorder. Also called: FLNC-related disorders; FLNC-related condition.
Myofibrillar myopathy 5. Also called: FILAMINOPATHY, AUTOSOMAL DOMINANT; Filaminopathy (type). Identifiers: Orphanet 171445, MedGen C1836050, MONDO:0012289, OMIM 609524.
Hypertrophic cardiomyopathy 26. Also called: Cardiomyopathy, familial hypertrophic, 26. Identifiers: Orphanet 75249, MedGen C4310749, MONDO:0014883, OMIM 617047.
Distal myopathy with posterior leg and anterior hand involvement. Also called: WILLIAMS DISTAL MYOPATHY. Identifiers: Orphanet 63273, MedGen C3279722, MONDO:0013550, OMIM 614065.
Cardiovascular phenotype. Identifiers: MedGen CN230736.

Allele frequency attached by ClinVar (database versions not stated): gnomAD 0.00001; ExAC 0.00003; gnomAD exomes 0.00003 and 0.00005; TOPMed 0.00003; 1000 Genomes Project 30x 0.00016; 1000 Genomes Project 0.00020.
gnomAD v4.1: 43 of 1,613,038 alleles (0.0027%); highest among the groups gnomAD compares: Admixed American, 0.02%; no homozygotes.

Submissions (3):

PreventionGenetics, part of Exact Sciences
Classification: Uncertain significance for FLNC-related condition. Last evaluated: 2025-06-13. Review status: criteria provided, single submitter. Criteria: ACMG Guidelines, 2015. Collection method: clinical testing. Allele origin: germline.
Comment: The FLNC c.1304C>T variant is predicted to result in the amino acid substitution p.Thr435Met. To our knowledge, this variant has not been reported in the literature. This variant is reported in 0.026% of alleles in individuals of Latino descent in gnomAD. Although we suspect that this variant may be benign, at this time, the clinical significance of this variant is uncertain due to the absence of conclusive functional and genetic evidence.

Labcorp Genetics (formerly Invitae), Labcorp
Classification: Likely benign for Distal myopathy with posterior leg and anterior hand involvement; Myofibrillar myopathy 5; Hypertrophic cardiomyopathy 26. Last evaluated: 2025-03-16. Review status: criteria provided, single submitter. Criteria: Invitae Variant Classification Sherloc (09022015). Collection method: clinical testing. Allele origin: germline.

Ambry Genetics
Classification: Uncertain significance for Cardiovascular phenotype. Last evaluated: 2023-08-17. Review status: criteria provided, single submitter. Criteria: Ambry Variant Classification Scheme 2023. Collection method: clinical testing. Allele origin: germline.
Comment: The p.T435M variant (also known as c.1304C>T), located in coding exon 8 of the FLNC gene, results from a C to T substitution at nucleotide position 1304. The threonine at codon 435 is replaced by methionine, an amino acid with similar properties. This amino acid position is not well conserved in available vertebrate species. In addition, this alteration is predicted to be tolerated by in silico analysis. Since supporting evidence is limited at this time, the clinical significance of this alteration remains unclear.